The following is an entry in ClinVar:

NM_144573.4(NEXN):c.1995T>C (p.Ser665=)

Gene: NEXN (nexilin F-actin binding protein; plus strand). Cytogenetic location: 1p31.1.
Variant type: single nucleotide variant.
Coding change: c.1995T>C on transcript NM_144573.4 (MANE Select); coding-DNA position 1995, T replaced by C.
Protein change: p.Ser665=; no amino-acid change (serine 665 retained).
Molecular consequence: synonymous variant.
Genome position (GRCh38, 1-based): chr1:77,942,796, T>C. VCF-style: chr1-77942796-T-C. GRCh37 (hg19) VCF-style: chr1-78408481-T-C.
Other names: c.1995T>C (NM_144573.3); c.1803T>C, p.Ser601= (NM_001172309.2).
Identifiers: ClinVar variation 1118356 (VCV001118356.13), dbSNP rs757311272, ClinGen allele CA919016.

ClinVar aggregate classification (germline): Likely benign. Review status: criteria provided, multiple submitters, no conflicts (2 of 4 stars). 4 submissions from 4 submitters: Likely benign (3). 1 of the submissions does not count toward it. Last evaluated 2025-08-12.

Conditions:
NEXN-related disorder. Also called: NEXN-related disorders; NEXN-related condition.
Dilated cardiomyopathy 1CC (CMD1CC). Identifiers: Orphanet 154, MedGen C2751084, MONDO:0013147, OMIM 613122.
Hypertrophic cardiomyopathy 20. Identifiers: MedGen C3151267, MONDO:0013477, OMIM 613876.
Cardiomyopathy (CMYO). Also called: Cardiomyopathies. Identifiers: Orphanet 167848, MedGen C0878544, MONDO:0004994, HP:0001638. Inheritance: Various modes of inheritance.
Cardiovascular phenotype. Identifiers: MedGen CN230736.

Allele frequency attached by ClinVar (database versions not stated): ExAC 0.00001; gnomAD exomes 0.00001.
gnomAD v4.1: 11 of 1,611,128 alleles (0.00068%); highest among the groups gnomAD compares: South Asian, 0.0022%; 1 homozygote.

Submissions (4):

Ambry Genetics
Classification: Likely benign for Cardiovascular phenotype. Last evaluated: 2025-08-12. Review status: criteria provided, single submitter. Criteria: Ambry Variant Classification Scheme 2023. Collection method: clinical testing. Allele origin: germline.

Labcorp Genetics (formerly Invitae), Labcorp
Classification: Likely benign for Dilated cardiomyopathy 1CC; Hypertrophic cardiomyopathy 20. Last evaluated: 2025-02-23. Review status: criteria provided, single submitter. Criteria: Invitae Variant Classification Sherloc (09022015). Collection method: clinical testing. Allele origin: germline.

CHEO Genetics Diagnostic Laboratory, Children's Hospital of Eastern Ontario
Classification: Likely benign for Cardiomyopathy. Last evaluated: 2021-11-15. Review status: criteria provided, single submitter. Criteria: ACMG Guidelines, 2015. Collection method: clinical testing. Allele origin: germline.

PreventionGenetics, part of Exact Sciences
Classification: Likely benign for NEXN-related condition. Last evaluated: 2021-03-19. Review status: no assertion criteria provided. Collection method: clinical testing. Allele origin: germline. Not counted in ClinVar's aggregate classification.
Comment: This variant is classified as likely benign based on ACMG/AMP sequence variant interpretation guidelines (Richards et al. 2015 PMID: 25741868, with internal and published modifications).